The following is an entry in ClinVar:

ClinVar aggregate classification (germline): Uncertain significance (1 of 4 stars; one submission).

Submission:

GeneDx
Classification: Uncertain significance. Last evaluated: 2023-10-22. Review status: criteria provided, single submitter. Criteria: GeneDx Variant Classification Process June 2021. Collection method: clinical testing. Allele origin: germline. Affected: yes.
Comment: Not observed at significant frequency in large population cohorts (gnomAD); In silico analysis supports that this missense variant does not alter protein structure/function; Has not been previously published as pathogenic or benign to our knowledge

NM_001007553.3(CSDE1):c.1342A>G (p.Lys448Glu)

Gene: CSDE1 (cold shock domain containing E1; minus strand). Cytogenetic location: 1p13.2.
Variant type: single nucleotide variant.
Coding change: c.1342A>G on transcript NM_001007553.3 (MANE Select); coding-DNA position 1342, A replaced by G.
Protein change: p.Lys448Glu; replaces lysine 448 with glutamic acid.
Molecular consequence: missense variant.
Genome position (GRCh38, 1-based): chr1:114,730,272, T>C on the plus strand (A>G on the coding strand, the complement: CSDE1 is on the minus strand). VCF-style: chr1-114730272-T-C. GRCh37 (hg19) VCF-style: chr1-115272893-T-C.
Other names: c.1387A>G, p.Lys463Glu (NM_001130523.3); c.1480A>G, p.Lys494Glu (NM_001242891.2); c.1342A>G, p.Lys448Glu (NM_001242892.2); c.1249A>G, p.Lys417Glu (NM_001242893.2, NM_007158.6); short protein forms K417E, K448E, K463E, K494E.
Identifiers: ClinVar variation 3366246 (VCV003366246.1).